The following is an entry in ClinVar:

ClinVar aggregate classification (germline): Conflicting classifications of pathogenicity. Review status: criteria provided, conflicting classifications (1 of 4 stars). 4 submissions from 4 submitters: Uncertain significance (3); Likely benign (1). Last evaluated 2025-10-23.

Conditions:
Ellis-van Creveld syndrome (EVC). Also called: EVC-Related Ellis-van Creveld Syndrome; EVC2-Related Ellis-van Creveld Syndrome; MESOECTODERMAL DYSPLASIA; Chondroectodermal dysplasia. Identifiers: Orphanet 289, MedGen C0013903, MONDO:0009162, OMIM 225500.
Curry-Hall syndrome (WAD). Also called: WEYERS ACRODENTAL DYSOSTOSIS. Identifiers: Orphanet 952, MedGen C0457013, MONDO:0008673, OMIM 193530.
Inborn genetic diseases. Identifiers: MedGen C0950123, MeSH D030342.

Allele frequency attached by ClinVar (database versions not stated): ExAC 0.00005; gnomAD exomes 0.00008 and 0.00018; TOPMed 0.00008; ESP Exome Variant Server 0.00015.
gnomAD v4.1: 265 of 1,614,032 alleles (0.016%); highest among the groups gnomAD compares: Non-Finnish European, 0.021%; no homozygotes.

Submissions (4):

Ambry Genetics
Classification: Likely benign for Inborn genetic diseases. Last evaluated: 2025-10-23. Review status: criteria provided, single submitter. Criteria: Ambry Variant Classification Scheme 2023. Collection method: clinical testing. Allele origin: germline.

GeneDx
Classification: Uncertain significance. Last evaluated: 2025-04-22. Review status: criteria provided, single submitter. Criteria: GeneDx Variant Classification Process June 2021. Collection method: clinical testing. Allele origin: germline. Affected: yes.
Comment: In silico analysis indicates that this missense variant does not alter protein structure/function; Has not been previously published as pathogenic or benign to our knowledge

Labcorp Genetics (formerly Invitae), Labcorp
Classification: Uncertain significance for Curry-Hall syndrome; Ellis-van Creveld syndrome. Last evaluated: 2022-08-30. Review status: criteria provided, single submitter. Criteria: Invitae Variant Classification Sherloc (09022015). Collection method: clinical testing. Allele origin: germline.
Comment: This sequence change replaces serine, which is neutral and polar, with arginine, which is basic and polar, at codon 230 of the EVC2 protein (p.Ser230Arg). The frequency data for this variant in the population databases is considered unreliable, as metrics indicate poor data quality at this position in the gnomAD database. This variant has not been reported in the literature in individuals affected with EVC2-related conditions. ClinVar contains an entry for this variant (Variation ID: 904868). Algorithms developed to predict the effect of missense changes on protein structure and function output the following: SIFT: "Tolerated"; PolyPhen-2: "Benign"; Align-GVGD: "Class C0". The arginine amino acid residue is found in multiple mammalian species, which suggests that this missense change does not adversely affect protein function. In summary, the available evidence is currently insufficient to determine the role of this variant in disease. Therefore, it has been classified as a Variant of Uncertain Significance.

Illumina Laboratory Services, Illumina
Classification: Uncertain significance for Ellis-van Creveld syndrome. Last evaluated: 2018-01-12. Review status: criteria provided, single submitter. Criteria: ICSL Variant Classification Criteria 13 December 2019. Collection method: clinical testing. Allele origin: germline.

NM_147127.5(EVC2):c.690C>G (p.Ser230Arg)

Gene: EVC2 (EvC ciliary complex subunit 2; minus strand). Cytogenetic location: 4p16.2.
Variant type: single nucleotide variant.
Coding change: c.690C>G on transcript NM_147127.5 (MANE Select); coding-DNA position 690, C replaced by G.
Protein change: p.Ser230Arg; replaces serine 230 with arginine.
Molecular consequence: missense variant.
Genome position (GRCh38, 1-based): chr4:5,689,173, G>C on the plus strand (C>G on the coding strand, the complement: EVC2 is on the minus strand). VCF-style: chr4-5689173-G-C. GRCh37 (hg19) VCF-style: chr4-5690900-G-C.
Other names: c.450C>G, p.Ser150Arg (NM_001166136.2); short protein forms S150R, S230R.
Identifiers: ClinVar variation 904868 (VCV000904868.7), dbSNP rs200743695, ClinGen allele CA2835368.